The following is an entry in ClinVar:

ClinVar aggregate classification (germline): Likely benign. Review status: criteria provided, multiple submitters, no conflicts (2 of 4 stars). 2 submissions from 2 submitters: Likely benign (2). Last evaluated 2023-01-12.

Conditions:
Kabuki syndrome. Also called: NIIKAWA-KUROKI SYNDROME; Kabuki make-up syndrome. Identifiers: Orphanet 2322, MedGen C0796004, MONDO:0016512.

gnomAD v4.1: 1 of 1,603,992 alleles (0.000062%); highest among the groups gnomAD compares: Admixed American, 0.0017%; no homozygotes.

Submissions (2):

Labcorp Genetics (formerly Invitae), Labcorp
Classification: Likely benign for Kabuki syndrome. Last evaluated: 2023-01-12. Review status: criteria provided, single submitter. Criteria: Invitae Variant Classification Sherloc (09022015). Collection method: clinical testing. Allele origin: germline.

GeneDx
Classification: Likely benign. Last evaluated: 2017-05-23. Review status: criteria provided, single submitter. Criteria: GeneDx Variant Classification (06012015). Collection method: clinical testing. Allele origin: germline. Affected: yes.
Comment: This variant is considered likely benign or benign based on one or more of the following criteria: it is a conservative change, it occurs at a poorly conserved position in the protein, it is predicted to be benign by multiple in silico algorithms, and/or has population frequency not consistent with disease.

NM_003482.4(KMT2D):c.9405C>G (p.Thr3135=)

Gene: KMT2D (lysine methyltransferase 2D; minus strand). Cytogenetic location: 12q13.12.
Variant type: single nucleotide variant.
Coding change: c.9405C>G on transcript NM_003482.4 (MANE Select); coding-DNA position 9405, C replaced by G.
Protein change: p.Thr3135=; no amino-acid change (threonine 3135 retained).
Molecular consequence: synonymous variant.
Genome position (GRCh38, 1-based): chr12:49,037,951, G>C on the plus strand (C>G on the coding strand, the complement: KMT2D is on the minus strand). VCF-style: chr12-49037951-G-C. GRCh37 (hg19) VCF-style: chr12-49431734-G-C.
Identifiers: ClinVar variation 509899 (VCV000509899.5), dbSNP rs376141976, ClinGen allele CA479710152.